The following is an entry in ClinVar:

NM_004415.4(DSP):c.2335C>G (p.Gln779Glu)

Gene: DSP (desmoplakin; plus strand). Cytogenetic location: 6p24.3.
Variant type: single nucleotide variant.
Coding change: c.2335C>G on transcript NM_004415.4 (MANE Select); coding-DNA position 2335, C replaced by G.
Protein change: p.Gln779Glu; replaces glutamine 779 with glutamic acid.
Molecular consequence: missense variant.
Genome position (GRCh38, 1-based): chr6:7,574,694, C>G. VCF-style: chr6-7574694-C-G. GRCh37 (hg19) VCF-style: chr6-7574927-C-G.
Other names: c.2335C>G, p.Gln779Glu (NM_001008844.3, NM_001319034.2); short protein forms Q779E.
Identifiers: ClinVar variation 4785792 (VCV004785792.1).

ClinVar aggregate classification (germline): Uncertain significance (1 of 4 stars; one submission).

Conditions:
Arrhythmogenic cardiomyopathy with wooly hair and keratoderma. Also called: Carvajal syndrome; PALMOPLANTAR KERATODERMA WITH LEFT VENTRICULAR CARDIOMYOPATHY AND WOOLLY HAIR; Dilated cardiomyopathy with woolly hair and keratoderma; Arrhythmogenic cardiomyopathy with woolly hair and keratoderma. Identifiers: Orphanet 65282, MedGen C1854063, MONDO:0011581, OMIM 605676.
Arrhythmogenic right ventricular dysplasia 8 (ARVD8). Also called: Arrhythmogenic Right Ventricular Dysplasia/Cardiomyopathy 8; ARRHYTHMOGENIC RIGHT VENTRICULAR DYSPLASIA, FAMILIAL, 8; ARRHYTHMOGENIC RIGHT VENTRICULAR CARDIOMYOPATHY 8. Identifiers: MedGen C1843896, MONDO:0011831, OMIM 607450.

Submission:

Labcorp Genetics (formerly Invitae), Labcorp
Classification: Uncertain significance for Arrhythmogenic cardiomyopathy with wooly hair and keratoderma; Arrhythmogenic right ventricular dysplasia 8. Last evaluated: 2025-08-10. Review status: criteria provided, single submitter. Criteria: Invitae Variant Classification Sherloc (09022015). Collection method: clinical testing. Allele origin: germline.
Comment: This sequence change replaces glutamine, which is neutral and polar, with glutamic acid, which is acidic and polar, at codon 779 of the DSP protein (p.Gln779Glu). This variant is not present in population databases (gnomAD no frequency). This variant has not been reported in the literature in individuals affected with DSP-related conditions. An algorithm developed to predict the effect of missense changes on protein structure and function (PolyPhen-2) suggests that this variant is likely to be disruptive. In summary, the available evidence is currently insufficient to determine the role of this variant in disease. Therefore, it has been classified as a Variant of Uncertain Significance.